The following is an entry in ClinVar:

ClinVar aggregate classification (germline): Uncertain significance. Review status: criteria provided, multiple submitters, no conflicts (2 of 4 stars). 3 submissions from 3 submitters: Uncertain significance (3). Last evaluated 2024-01-08.

Conditions:
Inborn genetic diseases. Identifiers: MedGen C0950123, MeSH D030342.
Hereditary spastic paraplegia 50 (SPG50). Also called: Spastic paraplegia 50, autosomal recessive. Identifiers: Orphanet 280763, MedGen C2752008, MONDO:0013048, OMIM 612936.

Allele frequency attached by ClinVar (database versions not stated): TOPMed 0.00002.

Submissions (3):

Ambry Genetics
Classification: Uncertain significance for Inborn genetic diseases. Last evaluated: 2024-01-08. Review status: criteria provided, single submitter. Criteria: Ambry Variant Classification Scheme 2023. Collection method: clinical testing. Allele origin: germline.

Labcorp Genetics (formerly Invitae), Labcorp
Classification: Uncertain significance for Hereditary spastic paraplegia 50. Last evaluated: 2023-05-28. Review status: criteria provided, single submitter. Criteria: Invitae Variant Classification Sherloc (09022015). Collection method: clinical testing. Allele origin: germline.
Comment: This sequence change replaces arginine, which is basic and polar, with glutamine, which is neutral and polar, at codon 413 of the AP4M1 protein (p.Arg413Gln). This variant is present in population databases (rs757999633, gnomAD 0.02%). In summary, the available evidence is currently insufficient to determine the role of this variant in disease. Therefore, it has been classified as a Variant of Uncertain Significance. Advanced modeling of protein sequence and biophysical properties (such as structural, functional, and spatial information, amino acid conservation, physicochemical variation, residue mobility, and thermodynamic stability) performed at Invitae indicates that this missense variant is not expected to disrupt AP4M1 protein function. ClinVar contains an entry for this variant (Variation ID: 391838). This variant has not been reported in the literature in individuals affected with AP4M1-related conditions.

GeneDx
Classification: Uncertain significance. Last evaluated: 2016-12-30. Review status: criteria provided, single submitter. Criteria: GeneDx Variant Classification (06012015). Collection method: clinical testing. Allele origin: germline. Affected: yes.
Comment: The R413Q variant in the AP4M1 gene has not been reported previously as a pathogenic variant, nor as a benign variant, to our knowledge. The R413Q variant was not observed in approximately 6,500 individuals of European and African American ancestry in the NHLBI Exome Sequencing Project, indicating it is not a common benign variant in these populations. The R413Q variant is a semi-conservative amino acid substitution, which may impact secondary protein structure as these residues differ in some properties. This substitution occurs at a position where amino acids with similar properties to Arginine are tolerated across species. In silico analysis is inconsistent in its predictions as to whether or not the variant is damaging to the protein structure/function. As an alternate mechanism, some in silico algorithms predict that c.1238 G>A (aka R413Q) might create a cryptic acceptor site in exon 15, which may supplant the natural acceptor site. However, in the absence of RNA/functional studies, the actual effect of this sequence change in this individual is unknown. We interpret R413Q as a variant of uncertain significance.

NM_004722.4(AP4M1):c.1238G>A (p.Arg413Gln)

Gene: AP4M1 (adaptor related protein complex 4 subunit mu 1; plus strand). Cytogenetic location: 7q22.1.
Variant type: single nucleotide variant.
Coding change: c.1238G>A on transcript NM_004722.4 (MANE Select); coding-DNA position 1238, G replaced by A.
Protein change: p.Arg413Gln; replaces arginine 413 with glutamine.
Molecular consequence: missense variant.
Genome position (GRCh38, 1-based): chr7:100,106,758, G>A. VCF-style: chr7-100106758-G-A. GRCh37 (hg19) VCF-style: chr7-99704381-G-A.
Other names: c.1259G>A, p.Arg420Gln (NM_001363671.2); short protein forms R413Q, R420Q.
Identifiers: ClinVar variation 391838 (VCV000391838.7), dbSNP rs757999633, ClinGen allele CA4375041.